The following is an entry in ClinVar:

ClinVar aggregate classification (germline): Likely pathogenic (1 of 4 stars; one submission).

Conditions:
Ataxia-telangiectasia syndrome (AT). Also called: Cerebello-oculocutaneous telangiectasia; Immunodeficiency with ataxia telangiectasia; Ataxia-telangiectasia, complementation group E; LOUIS-BAR SYNDROME; AT, COMPLEMENTATION GROUP C; ATAXIA-TELANGIECTASIA, COMPLEMENTATION GROUP A. Identifiers: Orphanet 100, MedGen C0004135, MONDO:0008840, OMIM 208900.

Submission:

Labcorp Genetics (formerly Invitae), Labcorp
Classification: Likely pathogenic for Ataxia-telangiectasia syndrome. Last evaluated: 2025-10-05. Review status: criteria provided, single submitter. Criteria: Invitae Variant Classification Sherloc (09022015). Collection method: clinical testing. Allele origin: germline.
Comment: This sequence change affects an acceptor splice site in intron 23 of the ATM gene. It is expected to disrupt RNA splicing. Variants that disrupt the donor or acceptor splice site typically lead to a loss of protein function (PMID: 16199547), and loss-of-function variants in ATM are known to be pathogenic (PMID: 23807571, 25614872). This variant is not present in population databases (gnomAD no frequency). This variant has not been reported in the literature in individuals affected with ATM-related conditions. Algorithms developed to predict the effect of sequence changes on RNA splicing suggest that this variant may disrupt the consensus splice site. In summary, the currently available evidence indicates that the variant is pathogenic, but additional data are needed to prove that conclusively. Therefore, this variant has been classified as Likely Pathogenic.

Literature cited by the submitters: PubMed 16199547; PubMed 23807571; PubMed 25614872.

NM_000051.4(ATM):c.3403-2A>T

Gene: ATM (ATM serine/threonine kinase; plus strand). Cytogenetic location: 11q22.3.
Variant type: single nucleotide variant.
Coding change: c.3403-2A>T on transcript NM_000051.4 (MANE Select); the canonical splice acceptor site of the intron before coding-DNA position 3403, A replaced by T.
Molecular consequence: splice acceptor variant.
Genome position (GRCh38, 1-based): chr11:108,280,993, A>T. VCF-style: chr11-108280993-A-T. GRCh37 (hg19) VCF-style: chr11-108151720-A-T.
Other names: c.3403-2A>T (NM_001351834.2).
Identifiers: ClinVar variation 4728468 (VCV004728468.1).